The following is an entry in ClinVar:

ClinVar aggregate classification (germline): Uncertain significance (1 of 4 stars; one submission).

Conditions:
Emery-Dreifuss muscular dystrophy 4, autosomal dominant (EDMD4). Also called: EMERY-DREIFUSS MUSCULAR DYSTROPHY 4 WITH VARIABLE FEATURES. Identifiers: Orphanet 261, MedGen C2751807, MONDO:0013071, OMIM 612998.
Autosomal recessive ataxia, Beauce type. Also called: Spinocerebellar ataxia, autosomal recessive 8; ATAXIA, RECESSIVE, OF BEAUCE; SYNE1-Related Autosomal Recessive Cerebellar Ataxia; SYNE1 Deficiency. Identifiers: Orphanet 88644, MedGen C1853116, MONDO:0012549, OMIM 610743.

gnomAD v4.1: 2 of 1,612,876 alleles (0.00012%); highest among the groups gnomAD compares: Admixed American, 0.0017%; no homozygotes.

Submission:

Labcorp Genetics (formerly Invitae), Labcorp
Classification: Uncertain significance for Emery-Dreifuss muscular dystrophy 4, autosomal dominant; Autosomal recessive ataxia, Beauce type. Last evaluated: 2024-07-24. Review status: criteria provided, single submitter. Criteria: Invitae Variant Classification Sherloc (09022015). Collection method: clinical testing. Allele origin: germline.
Comment: This sequence change replaces histidine, which is basic and polar, with arginine, which is basic and polar, at codon 1806 of the SYNE1 protein (p.His1806Arg). This variant is present in population databases (rs748438021, gnomAD 0.007%). This variant has not been reported in the literature in individuals affected with SYNE1-related conditions. An algorithm developed to predict the effect of missense changes on protein structure and function (PolyPhen-2) suggests that this variant is likely to be tolerated. In summary, the available evidence is currently insufficient to determine the role of this variant in disease. Therefore, it has been classified as a Variant of Uncertain Significance.

NM_182961.4(SYNE1):c.5396A>G (p.His1799Arg)

Gene: SYNE1 (spectrin repeat containing nuclear envelope protein 1; minus strand). Cytogenetic location: 6q25.2.
Variant type: single nucleotide variant.
Coding change: c.5396A>G on transcript NM_182961.4 (MANE Select); coding-DNA position 5396, A replaced by G.
Protein change: p.His1799Arg; replaces histidine 1799 with arginine.
Molecular consequence: missense variant.
Genome position (GRCh38, 1-based): chr6:152,419,594, T>C on the plus strand (A>G on the coding strand, the complement: SYNE1 is on the minus strand). VCF-style: chr6-152419594-T-C. GRCh37 (hg19) VCF-style: chr6-152740729-T-C.
Other names: c.5417A>G, p.His1806Arg (NM_033071.5); short protein forms H1799R, H1806R.
Identifiers: ClinVar variation 3758163 (VCV003758163.2).